The following is an entry in ClinVar:

NM_000419.5(ITGA2B):c.487T>C (p.Leu163=)

Gene: ITGA2B (integrin subunit alpha 2b; minus strand). Cytogenetic location: 17q21.31.
Variant type: single nucleotide variant.
Coding change: c.487T>C on transcript NM_000419.5 (MANE Select); coding-DNA position 487, T replaced by C.
Protein change: p.Leu163=; no amino-acid change (leucine 163 retained).
Molecular consequence: synonymous variant.
Genome position (GRCh38, 1-based): chr17:44,385,638, A>G on the plus strand (T>C on the coding strand, the complement: ITGA2B is on the minus strand). VCF-style: chr17-44385638-A-G. GRCh37 (hg19) VCF-style: chr17-42463006-A-G.
Other names: NM_000419.5(ITGA2B):c.487T>C; p.Leu163=; c.487T>C (LRG_479t1).
Identifiers: ClinVar variation 323570 (VCV000323570.13), dbSNP rs141497408, ClinGen allele CA8603453.

ClinVar aggregate classification (germline): Likely benign. Review status: reviewed by expert panel (3 of 4 stars). 5 submissions from 5 submitters: Likely benign (1). 4 of the submissions do not count toward it. Last evaluated 2023-01-17.

Conditions:
Glanzmann thrombasthenia. Also called: THROMBASTHENIA OF GLANZMANN AND NAEGELI; Glanzmann's thrombasthenia; PLATELET GLYCOPROTEIN IIb-IIIa DEFICIENCY; Thrombasthenia. Identifiers: Orphanet 849, MedGen C0040015, MONDO:0100326.

Allele frequency attached by ClinVar (database versions not stated): 1000 Genomes Project 30x 0.00031; ESP Exome Variant Server 0.00031; gnomAD 0.00036; 1000 Genomes Project 0.00040; ExAC 0.00044; TOPMed 0.00045.
gnomAD v4.1: 875 of 1,613,606 alleles (0.054%); highest among the groups gnomAD compares: Middle Eastern, 0.13%; 1 homozygote.

Submissions (5):

ClinGen Platelet Disorders Variant Curation Expert Panel, ClinGen
Classification: Likely benign for Glanzmann thrombasthenia. Last evaluated: 2023-01-17. Review status: reviewed by expert panel. Criteria: ClinGen Platelet ACMG Specifications v2-1. Collection method: curation. Allele origin: germline. Inheritance: Autosomal recessive inheritance.
Comment: After a comprehensive literature search of the synonymous variant NM_000419.5(ITGA2B):c.487T>C (p.Leu163=), no individuals with Glanzmann thrombasthenia were reported with the variant. The variant has a minor allele frequency of 0.00068 (24/35340) in the Latino population in gnomAD, which does not meet our threshold criteria for PM2_supporting or BS1. In silico predictor spliceAI revealed that the synonymous mutation is not expected to impact splicing and a PhyloP score of -1.245 shows that the nucleotide position is not highly conserved (BP4, BP7). In summary, this variant meets the criteria to be classified as Likely Benign for autosomal recessive Glanzmann Thrombasthenia based on the ACMG/AMP criteria applied, as specified by the ClinGen PD VCEP: BP4, BP7 (PD VCEP specifications version 2.1).

Labcorp Genetics (formerly Invitae), Labcorp
Classification: Likely benign for Glanzmann thrombasthenia. Last evaluated: 2026-01-27. Review status: criteria provided, single submitter. Criteria: Invitae Variant Classification Sherloc (09022015). Collection method: clinical testing. Allele origin: germline. Not counted in ClinVar's aggregate classification.

Mayo Clinic Laboratories, Mayo Clinic
Classification: Likely benign. Last evaluated: 2025-01-16. Review status: criteria provided, single submitter. Criteria: ACMG Guidelines, 2015. Collection method: clinical testing. Allele origin: germline. Observed: 1 variant allele. Not counted in ClinVar's aggregate classification.
Comment: BP4, BP7

Blueprint Genetics
Classification: Likely benign. Last evaluated: 2024-11-25. Review status: criteria provided, single submitter. Criteria: ACMG Guidelines, 2015. Collection method: clinical testing. Allele origin: germline. Not counted in ClinVar's aggregate classification.

Illumina Laboratory Services, Illumina
Classification: Uncertain significance for Glanzmann thrombasthenia 1. Last evaluated: 2018-01-12. Review status: criteria provided, single submitter. Criteria: ICSL Variant Classification Criteria 13 December 2019. Collection method: clinical testing. Allele origin: germline. Not counted in ClinVar's aggregate classification.